The following is an entry in ClinVar:

ClinVar aggregate classification (germline): Uncertain significance (1 of 4 stars; one submission).

Allele frequency attached by ClinVar (database versions not stated): gnomAD 0.00001.
gnomAD v4.1: 1 of 1,612,230 alleles (0.000062%); highest among the groups gnomAD compares: Admixed American, 0.0017%; no homozygotes.

Submission:

Labcorp Genetics (formerly Invitae), Labcorp
Classification: Uncertain significance. Last evaluated: 2022-12-12. Review status: criteria provided, single submitter. Criteria: Invitae Variant Classification Sherloc (09022015). Collection method: clinical testing. Allele origin: germline.
Comment: This sequence change replaces alanine, which is neutral and non-polar, with threonine, which is neutral and polar, at codon 271 of the GUF1 protein (p.Ala271Thr). This variant is not present in population databases (gnomAD no frequency). This variant has not been reported in the literature in individuals affected with GUF1-related conditions. Advanced modeling of protein sequence and biophysical properties (such as structural, functional, and spatial information, amino acid conservation, physicochemical variation, residue mobility, and thermodynamic stability) performed at Invitae indicates that this missense variant is not expected to disrupt GUF1 protein function. In summary, the available evidence is currently insufficient to determine the role of this variant in disease. Therefore, it has been classified as a Variant of Uncertain Significance.

NM_021927.3(GUF1):c.811G>A (p.Ala271Thr)

Gene: GUF1 (GTP binding elongation factor GUF1; plus strand). Cytogenetic location: 4p12.
Variant type: single nucleotide variant.
Coding change: c.811G>A on transcript NM_021927.3 (MANE Select); coding-DNA position 811, G replaced by A.
Protein change: p.Ala271Thr; replaces alanine 271 with threonine.
Molecular consequence: missense variant. On other transcripts: 5 prime UTR variant (2).
Genome position (GRCh38, 1-based): chr4:44,686,586, G>A. VCF-style: chr4-44686586-G-A. GRCh37 (hg19) VCF-style: chr4-44688603-G-A.
Other names: c.-162G>A (NM_001345867.2, NM_001345869.2); c.811G>A, p.Ala271Thr (NM_001345868.2); short protein forms A271T.
Identifiers: ClinVar variation 2872147 (VCV002872147.3), dbSNP rs1488411094, ClinGen allele CA356762391.